The following is an entry in ClinVar:

ClinVar aggregate classification (germline): Likely pathogenic. Review status: criteria provided, multiple submitters, no conflicts (2 of 4 stars). 2 submissions from 2 submitters: Likely pathogenic (2). Last evaluated 2025-01-29.

Conditions:
Dilated cardiomyopathy 1G (CMD1G). Identifiers: Orphanet 154, MedGen C1858763, MONDO:0011400, OMIM 604145.
Autosomal recessive limb-girdle muscular dystrophy type 2J (LGMDR10). Also called: Limb-girdle muscular dystrophy, type 2J; MUSCULAR DYSTROPHY, LIMB-GIRDLE, AUTOSOMAL RECESSIVE 10. Identifiers: Orphanet 140922, MedGen C1837342, MONDO:0012127, OMIM 608807.
TTN-related disorder. Also called: TTN-related condition; TTN-related disease; TTN-related disorders.

Submissions (2):

Labcorp Genetics (formerly Invitae), Labcorp
Classification: Likely pathogenic for Dilated cardiomyopathy 1G; Autosomal recessive limb-girdle muscular dystrophy type 2J. Last evaluated: 2025-01-29. Review status: criteria provided, single submitter. Criteria: Invitae Variant Classification Sherloc (09022015). Collection method: clinical testing. Allele origin: germline.
Comment: This sequence change creates a premature translational stop signal (p.Phe25066Leufs*3) in the TTN gene. While this is not anticipated to result in nonsense mediated decay, it is expected to create a truncated TTN protein. This variant is not present in population databases (gnomAD no frequency). This variant has not been reported in the literature in individuals affected with TTN-related conditions. This variant is located in the A band of TTN (PMID: 25589632). Truncating variants in this region are significantly overrepresented in patients affected with dilated cardiomyopathy (PMID: 25589632). Truncating variants in this region have also been reported in individuals affected with autosomal recessive centronuclear myopathy (PMID: 23975875). In summary, the currently available evidence indicates that the variant is pathogenic, but additional data are needed to prove that conclusively. Therefore, this variant has been classified as Likely Pathogenic.

Blueprint Genetics
Classification: Likely pathogenic for TTN-related disorders. Last evaluated: 2024-06-12. Review status: criteria provided, single submitter. Criteria: ACMG Guidelines, 2015. Collection method: clinical testing. Allele origin: germline. Affected: yes. Observed: 1 variant allele.

Literature cited by the submitters: PubMed 25589632 (cited by Labcorp Genetics (formerly Invitae), Labcorp); PubMed 23975875 (cited by Labcorp Genetics (formerly Invitae), Labcorp).

NM_001267550.2(TTN):c.75198del (p.Phe25066fs)

Genes: TTN (titin; minus strand), TTN-AS1 (TTN antisense RNA 1; plus strand). Cytogenetic location: 2q31.2.
Variant type: Deletion.
Coding change: c.75198del on transcript NM_001267550.2 (MANE Select); coding-DNA position 75198, one base deleted (T; older notation c.75198delT).
Protein change: p.Phe25066fs; shifts the reading frame from phenylalanine 25066.
Molecular consequence: frameshift variant.
Genome position (GRCh38, 1-based): chr2:178,570,934, A deleted on the plus strand (T on the coding strand, the reverse complement: TTN is on the minus strand); the first of 4 consecutive A bases (chr2:178,570,934-178,570,937); deleting any one gives the same sequence. VCF-style (leftmost placement, unchanged base first): chr2-178570933-CA-C. GRCh37 (hg19) VCF-style: chr2-179435660-CA-C.
Other names: c.70275del, p.Phe23425fs (NM_001256850.1); c.48003del, p.Phe16001fs (NM_003319.4); c.67494del, p.Phe22498fs (NM_133378.4); c.48378del, p.Phe16126fs (NM_133432.3); c.48579del, p.Phe16193fs (NM_133437.4); short protein forms F16001fs, F16126fs, F16193fs, F22498fs, F23425fs, F25066fs.
Identifiers: ClinVar variation 3756450 (VCV003756450.3).